The following is an entry in ClinVar:

ClinVar aggregate classification (germline): Uncertain significance (1 of 4 stars; one submission).

Submission:

GeneDx
Classification: Uncertain significance. Last evaluated: 2024-04-11. Review status: criteria provided, single submitter. Criteria: GeneDx Variant Classification Process June 2021. Collection method: clinical testing. Allele origin: germline. Affected: yes.
Comment: Not observed at significant frequency in large population cohorts (gnomAD); In silico analysis supports that this missense variant has a deleterious effect on protein structure/function; Has not been previously published as pathogenic or benign to our knowledge

NM_002496.4(NDUFS8):c.329G>T (p.Arg110Leu)

Gene: NDUFS8 (NADH:ubiquinone oxidoreductase core subunit S8; plus strand). Cytogenetic location: 11q13.2.
Variant type: single nucleotide variant.
Coding change: c.329G>T on transcript NM_002496.4 (MANE Select); coding-DNA position 329, G replaced by T.
Protein change: p.Arg110Leu; replaces arginine 110 with leucine.
Molecular consequence: missense variant.
Genome position (GRCh38, 1-based): chr11:68,033,240, G>T. VCF-style: chr11-68033240-G-T. GRCh37 (hg19) VCF-style: chr11-67800707-G-T.
Other names: short protein forms R110L.
Identifiers: ClinVar variation 3372367 (VCV003372367.1).